The following is an entry in ClinVar:

ClinVar aggregate classification (germline): Uncertain significance. Review status: criteria provided, multiple submitters, no conflicts (2 of 4 stars). 5 submissions from 5 submitters: Uncertain significance (5). Last evaluated 2025-08-26.

Conditions:
Cardiovascular phenotype. Identifiers: MedGen CN230736.
Costello syndrome (CSTLO). Also called: HRAS-Related Costello Syndrome; FACIOCUTANEOSKELETAL SYNDROME; FCS SYNDROME. Identifiers: Orphanet 3071, MedGen C0587248, MONDO:0009026, OMIM 218040.

Allele frequency attached by ClinVar (database versions not stated): gnomAD 0.00001; gnomAD exomes 0.00001; ExAC 0.00002; TOPMed 0.00002.
gnomAD v4.1: 41 of 1,613,124 alleles (0.0025%); highest among the groups gnomAD compares: Non-Finnish European, 0.0031%; no homozygotes.

Submissions (5):

Labcorp Genetics (formerly Invitae), Labcorp
Classification: Uncertain significance for Costello syndrome. Last evaluated: 2025-08-26. Review status: criteria provided, single submitter. Criteria: Invitae Variant Classification Sherloc (09022015). Collection method: clinical testing. Allele origin: germline.
Comment: This sequence change replaces alanine, which is neutral and non-polar, with threonine, which is neutral and polar, at codon 11 of the HRAS protein (p.Ala11Thr). This variant is present in population databases (rs727504496, gnomAD 0.003%). This variant has not been reported in the literature in individuals affected with HRAS-related conditions. ClinVar contains an entry for this variant (Variation ID: 178860). Invitae Evidence Modeling incorporating data from in vitro experimental studies (internal data) indicates that this missense variant is not expected to disrupt HRAS function with a negative predictive value of 95%. In summary, the available evidence is currently insufficient to determine the role of this variant in disease. Therefore, it has been classified as a Variant of Uncertain Significance.

Ambry Genetics
Classification: Uncertain significance for Cardiovascular phenotype. Last evaluated: 2021-04-28. Review status: criteria provided, single submitter. Criteria: Ambry Variant Classification Scheme 2023. Collection method: clinical testing. Allele origin: germline.

Baylor Genetics
Classification: Uncertain significance for Costello syndrome. Last evaluated: 2020-11-18. Review status: criteria provided, single submitter. Criteria: ACMG Guidelines, 2015. Collection method: clinical testing. Allele origin: paternal. Affected: yes. Study: CSER-TexasKidsCanSeq.
Comment: This variant was determined to be of uncertain significance according to ACMG Guidelines, 2015 [PMID:25741868].

Revvity Omics, Revvity
Classification: Uncertain significance for Costello syndrome. Last evaluated: 2019-03-20. Review status: criteria provided, single submitter. Criteria: ACMG Guidelines, 2015. Collection method: clinical testing. Allele origin: germline.

Laboratory for Molecular Medicine, Mass General Brigham Personalized Medicine
Classification: Uncertain significance. Last evaluated: 2016-03-25. Review status: criteria provided, single submitter. Criteria: LMM Criteria. Collection method: clinical testing. Allele origin: germline. Observed: 2 variant alleles.
Comment: Variant classified as Uncertain Significance - Favor Benign. This variant has been identified in 1/16464 of South Asian chromoso mes and 1/65720 of European chromosomes by the Exome Aggregation Consortium (ExA C; dbSNP rs727504496). Computational prediction tools and conservation analysis do not provide strong support for or against an impact to the protein. In summary, while the clinical significance of the p.Ala1 1Thr variant is uncertain, these data suggest that it is more likely to be benig n.

Literature cited by the submitters: PubMed 22683711 (cited by Laboratory for Molecular Medicine, Mass General Brigham Personalized Medicine); PubMed 8605880 (cited by Laboratory for Molecular Medicine, Mass General Brigham Personalized Medicine); PubMed 24259709 (cited by Laboratory for Molecular Medicine, Mass General Brigham Personalized Medicine).

NM_005343.4(HRAS):c.31G>A (p.Ala11Thr)

Genes: HRAS (HRas proto-oncogene, GTPase; minus strand), LRRC56 (leucine rich repeat containing 56; plus strand). Cytogenetic location: 11p15.5.
Variant type: single nucleotide variant.
Coding change: c.31G>A on transcript NM_005343.4 (MANE Select); coding-DNA position 31, G replaced by A.
Protein change: p.Ala11Thr; replaces alanine 11 with threonine.
Molecular consequence: missense variant. On other transcripts: 5 prime UTR variant (1).
Genome position (GRCh38, 1-based): chr11:534,292, C>T on the plus strand (G>A on the coding strand, the complement: HRAS is on the minus strand). VCF-style: chr11-534292-C-T. GRCh37 (hg19) VCF-style: chr11-534292-C-T.
Other names: c.31G>A, p.Ala11Thr (NM_001130442.3, NM_176795.5); c.-289G>A (NM_001318054.2); short protein forms A11T.
Identifiers: ClinVar variation 178860 (VCV000178860.18), dbSNP rs727504496, ClinGen allele CA183175.